The following is an entry in ClinVar:

ClinVar aggregate classification (germline): Uncertain significance (1 of 4 stars; one submission).

gnomAD v4.1: 1 of 1,613,854 alleles (0.000062%); highest among the groups gnomAD compares: Non-Finnish European, 0.000085%; no homozygotes.

Submission:

Women's Health and Genetics/Laboratory Corporation of America, LabCorp
Classification: Uncertain significance. Last evaluated: 2025-09-23. Review status: criteria provided, single submitter. Criteria: LabCorp Variant Classification Summary - May 2015. Collection method: clinical testing. Allele origin: germline.
Comment: Variant summary: SMARCA2 c.410C>G (p.Pro137Arg) results in a non-conservative amino acid change in the encoded protein sequence. Algorithms developed to predict the effect of missense changes on protein structure and function all suggest that this variant is likely to be disruptive. The variant was absent in 251388 control chromosomes. The available data on variant occurrences in the general population are insufficient to allow any conclusion about variant significance. To our knowledge, no occurrence of c.410C>G in individuals affected with SMARCA2-related conditions and no experimental evidence demonstrating its impact on protein function have been reported. No submitters have cited clinical-significance assessments for this variant to ClinVar. Based on the evidence outlined above, the variant was classified as uncertain significance.

NM_003070.5(SMARCA2):c.410C>G (p.Pro137Arg)

Gene: SMARCA2 (SWI/SNF related BAF chromatin remodeling complex subunit ATPase 2; plus strand). Cytogenetic location: 9p24.3.
Variant type: single nucleotide variant.
Coding change: c.410C>G on transcript NM_003070.5 (MANE Select); coding-DNA position 410, C replaced by G.
Protein change: p.Pro137Arg; replaces proline 137 with arginine.
Molecular consequence: missense variant.
Genome position (GRCh38, 1-based): chr9:2,039,520, C>G. VCF-style: chr9-2039520-C-G. GRCh37 (hg19) VCF-style: chr9-2039520-C-G.
Other names: c.410C>G, p.Pro137Arg (NM_001289396.2, NM_001289397.2, NM_139045.4); short protein forms P137R.
Identifiers: ClinVar variation 4536017 (VCV004536017.1).